The following is an entry in ClinVar:

NM_000038.6(APC):c.2191G>A (p.Ala731Thr)

Gene: APC (APC regulator of Wnt signaling pathway; plus strand). Cytogenetic location: 5q22.2.
Variant type: single nucleotide variant.
Coding change: c.2191G>A on transcript NM_000038.6 (MANE Select); coding-DNA position 2191, G replaced by A.
Protein change: p.Ala731Thr; replaces alanine 731 with threonine.
Molecular consequence: missense variant.
Genome position (GRCh38, 1-based): chr5:112,837,785, G>A. VCF-style: chr5-112837785-G-A. GRCh37 (hg19) VCF-style: chr5-112173482-G-A.
Other names: c.2191G>A, p.Ala731Thr (NM_001127510.3, NM_001354895.2); c.2137G>A, p.Ala713Thr (NM_001127511.3); c.2245G>A, p.Ala749Thr (NM_001354896.2); c.2221G>A, p.Ala741Thr (NM_001354897.2); c.2116G>A, p.Ala706Thr (NM_001354898.2); c.2107G>A, p.Ala703Thr (NM_001354899.2); c.2068G>A, p.Ala690Thr (NM_001354900.2); c.2014G>A, p.Ala672Thr (NM_001354901.2); and 5 more; short protein forms A713T, A731T, A571T, A630T, A672T, A749T, A640T, A690T.
Identifiers: ClinVar variation 489420 (VCV000489420.22), dbSNP rs1318557130, ClinGen allele CA16026132.

ClinVar aggregate classification (germline): Uncertain significance. Review status: criteria provided, multiple submitters, no conflicts (2 of 4 stars). 6 submissions from 6 submitters: Uncertain significance (6). Last evaluated 2025-09-18.

Conditions:
Familial adenomatous polyposis 1 (FAP1). Also called: POLYPOSIS, ADENOMATOUS INTESTINAL; FAMILIAL ADENOMATOUS POLYPOSIS 1, ATTENUATED. Identifiers: MedGen C2713442, MONDO:0021056, OMIM 175100. Disease mechanism: loss of function.
Hereditary cancer-predisposing syndrome. Also called: Hereditary Cancer Syndrome; Neoplastic Syndromes, Hereditary; Tumor predisposition; Hereditary neoplastic syndrome. Identifiers: Orphanet 140162, MedGen C0027672, MeSH D009386, MONDO:0015356.
Classic or attenuated familial adenomatous polyposis. Identifiers: MedGen CN372698, MONDO:0021057.

Allele frequency attached by ClinVar (database versions not stated): gnomAD exomes below 0.00001 and 0.00001.
gnomAD v4.1: 3 of 1,614,042 alleles (0.00019%); highest among the groups gnomAD compares: Admixed American, 0.0017%; no homozygotes.

Submissions (6):

Labcorp Genetics (formerly Invitae), Labcorp
Classification: Uncertain significance for Familial adenomatous polyposis 1. Last evaluated: 2025-09-18. Review status: criteria provided, single submitter. Criteria: Invitae Variant Classification Sherloc (09022015). Collection method: clinical testing. Allele origin: germline.
Comment: This sequence change replaces alanine, which is neutral and non-polar, with threonine, which is neutral and polar, at codon 731 of the APC protein (p.Ala731Thr). This variant is present in population databases (no rsID available, gnomAD 0.003%). This variant has not been reported in the literature in individuals affected with APC-related conditions. ClinVar contains an entry for this variant (Variation ID: 489420). Invitae Evidence Modeling of protein sequence and biophysical properties (such as structural, functional, and spatial information, amino acid conservation, physicochemical variation, residue mobility, and thermodynamic stability) indicates that this missense variant is not expected to disrupt APC protein function with a negative predictive value of 95%. In summary, the available evidence is currently insufficient to determine the role of this variant in disease. Therefore, it has been classified as a Variant of Uncertain Significance.

Ambry Genetics
Classification: Uncertain significance for Hereditary cancer-predisposing syndrome. Last evaluated: 2025-04-09. Review status: criteria provided, single submitter. Criteria: Ambry Variant Classification Scheme 2023. Collection method: clinical testing. Allele origin: germline.
Comment: The p.A731T variant (also known as c.2191G>A), located in coding exon 15 of the APC gene, results from a G to A substitution at nucleotide position 2191. The alanine at codon 731 is replaced by threonine, an amino acid with similar properties. This amino acid position is highly conserved in available vertebrate species. In addition, in silico predictors for this gene do not accurately predict pathogenicity. Missense alterations in APC are not a common cause of disease (Spier I et al. Genet Med. 2024 Feb;26(2):100992). Since supporting evidence is limited at this time, the clinical significance of this alteration remains unclear.

Baylor Genetics
Classification: Uncertain significance for Familial adenomatous polyposis 1. Last evaluated: 2023-11-12. Review status: criteria provided, single submitter. Criteria: ACMG Guidelines, 2015. Collection method: clinical testing. Allele origin: unknown.

All of Us Research Program, National Institutes of Health
Classification: Uncertain significance for Classic or attenuated familial adenomatous polyposis. Last evaluated: 2023-10-02. Review status: criteria provided, single submitter. Criteria: ACMG Guidelines, 2015. Collection method: clinical testing. Allele origin: germline. Inheritance: Autosomal dominant inheritance. Observed: 2 variant alleles, 2 heterozygotes.
Comment: This missense variant replaces alanine with threonine at codon 731 of the APC protein. Computational prediction suggests that this variant may not impact protein structure and function (internally defined REVEL score threshold <= 0.5, PMID: 27666373). To our knowledge, functional studies have not been reported for this variant. This variant has not been reported in individuals affected with APC-related disorders in the literature. This variant has been identified in 2/250126 chromosomes in the general population by the Genome Aggregation Database (gnomAD). The available evidence is insufficient to determine the role of this variant in disease conclusively. Therefore, this variant is classified as a Variant of Uncertain Significance.

This study involves interpretation of variants in research participants for the purpose of population health screening. Participant phenotype was not available at the time of variant classification. Additional details can be found in publication PMID: 35346344, PMCID: PMC8962531

Color Diagnostics, LLC DBA Color Health
Classification: Uncertain significance for Hereditary cancer-predisposing syndrome. Last evaluated: 2023-09-06. Review status: criteria provided, single submitter. Criteria: ACMG Guidelines, 2015. Collection method: clinical testing. Allele origin: germline.
Comment: This missense variant replaces alanine with threonine at codon 731 of the APC protein. Computational prediction suggests that this variant may not impact protein structure and function (internally defined REVEL score threshold <= 0.5, PMID: 27666373). To our knowledge, functional studies have not been reported for this variant. This variant has not been reported in individuals affected with APC-related disorders in the literature. This variant has been identified in 2/250126 chromosomes in the general population by the Genome Aggregation Database (gnomAD). The available evidence is insufficient to determine the role of this variant in disease conclusively. Therefore, this variant is classified as a Variant of Uncertain Significance.

GeneDx
Classification: Uncertain significance. Last evaluated: 2019-07-05. Review status: criteria provided, single submitter. Criteria: GeneDx Variant Classification Process June 2021. Collection method: clinical testing. Allele origin: germline. Affected: yes.
Comment: Not observed at a significant frequency in large population cohorts (Lek et al., 2016); In silico analysis, which includes protein predictors and evolutionary conservation, supports that this variant does not alter protein structure/function; Has not been previously published as pathogenic or benign to our knowledge